The following is an entry in ClinVar:

NM_201384.3(PLEC):c.5770G>A (p.Glu1924Lys)

Gene: PLEC (plectin; minus strand). Cytogenetic location: 8q24.3.
Variant type: single nucleotide variant.
Coding change: c.5770G>A on transcript NM_201384.3 (MANE Select); coding-DNA position 5770, G replaced by A.
Protein change: p.Glu1924Lys; replaces glutamic acid 1924 with lysine.
Molecular consequence: missense variant.
Genome position (GRCh38, 1-based): chr8:143,924,159, C>T on the plus strand (G>A on the coding strand, the complement: PLEC is on the minus strand). VCF-style: chr8-143924159-C-T. GRCh37 (hg19) VCF-style: chr8-144998327-C-T.
Other names: c.5851G>A, p.Glu1951Lys (NM_000445.5); c.5728G>A, p.Glu1910Lys (NM_201378.4); c.5704G>A, p.Glu1902Lys (NM_201379.3); c.6181G>A, p.Glu2061Lys (NM_201380.4); c.5674G>A, p.Glu1892Lys (NM_201381.3); c.5770G>A, p.Glu1924Lys (NM_201382.4); c.5782G>A, p.Glu1928Lys (NM_201383.3); short protein forms E1902K, E1928K, E1892K, E1910K, E1924K, E1951K, E2061K.
Identifiers: ClinVar variation 1525753 (VCV001525753.8), dbSNP rs2131377309, ClinGen allele CA372541839.

ClinVar aggregate classification (germline): Uncertain significance (1 of 4 stars; one submission).

Conditions:
Epidermolysis bullosa simplex 5B, with muscular dystrophy (EBS5B). Also called: EPIDERMOLYSIS BULLOSA SIMPLEX AND LIMB-GIRDLE MUSCULAR DYSTROPHY; Epidermolysis bullosa simplex with muscular dystrophy. Identifiers: Orphanet 257, MedGen C2931072, MONDO:0009181, OMIM 226670.
Epidermolysis bullosa simplex with nail dystrophy (EBS5D). Identifiers: MedGen C4225309, MONDO:0014661, OMIM 616487.
Epidermolysis bullosa simplex, Ogna type (EBS5A). Also called: Pidermolysis bullosa simplex 5A, Ogna type; EPIDERMOLYSIS BULLOSA SIMPLEX 5A, OGNA TYPE. Identifiers: Orphanet 79401, MedGen C0432317, MONDO:0007555, OMIM 131950.
Epidermolysis bullosa simplex 5C, with pyloric atresia (EBS5C). Also called: PLEC-Related Epidermolysis Bullosa with Pyloric Atresia; Epidermolysis bullosa simplex with pyloric atresia; PLEC1-Related Epidermolysis Bullosa with Pyloric Atresia. Identifiers: Orphanet 158684, MedGen C2677349, MONDO:0012807, OMIM 612138.
Autosomal recessive limb-girdle muscular dystrophy type 2Q (LGMDR17). Also called: MUSCULAR DYSTROPHY, LIMB-GIRDLE, AUTOSOMAL RECESSIVE 17. Identifiers: Orphanet 254361, MedGen C3150989, MONDO:0013390, OMIM 613723.

Submission:

Labcorp Genetics (formerly Invitae), Labcorp
Classification: Uncertain significance for Autosomal recessive limb-girdle muscular dystrophy type 2Q; Epidermolysis bullosa simplex, Ogna type; Epidermolysis bullosa simplex with nail dystrophy; Epidermolysis bullosa simplex 5C, with pyloric atresia; Epidermolysis bullosa simplex 5B, with muscular dystrophy. Last evaluated: 2021-07-28. Review status: criteria provided, single submitter. Criteria: Invitae Variant Classification Sherloc (09022015). Collection method: clinical testing. Allele origin: germline.
Comment: In summary, the available evidence is currently insufficient to determine the role of this variant in disease. Therefore, it has been classified as a Variant of Uncertain Significance. Algorithms developed to predict the effect of sequence changes on RNA splicing suggest that this variant may create or strengthen a splice site, but this prediction has not been confirmed by published transcriptional studies. Algorithms developed to predict the effect of missense changes on protein structure and function are either unavailable or do not agree on the potential impact of this missense change (SIFT: "Deleterious"; PolyPhen-2: "Not Available"; Align-GVGD: "Class C55"). This variant has not been reported in the literature in individuals with PLEC-related conditions. This variant is not present in population databases (ExAC no frequency). This sequence change replaces glutamic acid with lysine at codon 1951 of the PLEC protein (p.Glu1951Lys). The glutamic acid residue is highly conserved and there is a small physicochemical difference between glutamic acid and lysine.